The following is an entry in ClinVar:

NM_000395.3(CSF2RB):c.2554G>A (p.Asp852Asn)

Gene: CSF2RB (colony stimulating factor 2 receptor subunit beta; plus strand). Cytogenetic location: 22q12.3.
Variant type: single nucleotide variant.
Coding change: c.2554G>A on transcript NM_000395.3 (MANE Select); coding-DNA position 2554, G replaced by A.
Protein change: p.Asp852Asn; replaces aspartic acid 852 with asparagine.
Molecular consequence: missense variant.
Genome position (GRCh38, 1-based): chr22:36,938,362, G>A. VCF-style: chr22-36938362-G-A. GRCh37 (hg19) VCF-style: chr22-37334404-G-A.
Other names: short protein forms D852N.
Identifiers: ClinVar variation 1464629 (VCV001464629.8), dbSNP rs201049511, ClinGen allele CA324005656.

ClinVar aggregate classification (germline): Uncertain significance (1 of 4 stars; one submission).

Allele frequency attached by ClinVar (database versions not stated): gnomAD exomes below 0.00001; gnomAD 0.00001; TOPMed 0.00002.

Submission:

Labcorp Genetics (formerly Invitae), Labcorp
Classification: Uncertain significance. Last evaluated: 2023-11-19. Review status: criteria provided, single submitter. Criteria: Invitae Variant Classification Sherloc (09022015). Collection method: clinical testing. Allele origin: germline.
Comment: This sequence change replaces aspartic acid, which is acidic and polar, with asparagine, which is neutral and polar, at codon 852 of the CSF2RB protein (p.Asp852Asn). This variant is present in population databases (rs201049511, gnomAD 0.003%). This variant has not been reported in the literature in individuals affected with CSF2RB-related conditions. ClinVar contains an entry for this variant (Variation ID: 1464629). Advanced modeling of protein sequence and biophysical properties (such as structural, functional, and spatial information, amino acid conservation, physicochemical variation, residue mobility, and thermodynamic stability) performed at Invitae indicates that this missense variant is not expected to disrupt CSF2RB protein function with a negative predictive value of 80%. In summary, the available evidence is currently insufficient to determine the role of this variant in disease. Therefore, it has been classified as a Variant of Uncertain Significance.